The following is an entry in ClinVar:

NM_024422.6(DSC2):c.2084G>A (p.Trp695Ter)

Gene: DSC2 (desmocollin 2; minus strand). Cytogenetic location: 18q12.1.
Variant type: single nucleotide variant.
Coding change: c.2084G>A on transcript NM_024422.6 (MANE Select); coding-DNA position 2084, G replaced by A.
Protein change: p.Trp695Ter; replaces tryptophan 695 with a stop codon.
Molecular consequence: nonsense.
Genome position (GRCh38, 1-based): chr18:31,071,646, C>T on the plus strand (G>A on the coding strand, the complement: DSC2 is on the minus strand). VCF-style: chr18-31071646-C-T. GRCh37 (hg19) VCF-style: chr18-28651612-C-T.
Other names: c.2084G>A (NM_024422.3); c.2084G>A, p.Trp695Ter (NM_004949.5); short protein forms W695*.
Identifiers: ClinVar variation 1451178 (VCV001451178.12), dbSNP rs963715928, ClinGen allele CA297688604.

ClinVar aggregate classification (germline): Pathogenic/Likely pathogenic. Review status: criteria provided, multiple submitters, no conflicts (2 of 4 stars). 3 submissions from 3 submitters: Pathogenic (2); Likely pathogenic (1). Last evaluated 2026-03-01.

Conditions:
Arrhythmogenic right ventricular dysplasia 11. Also called: ARRHYTHMOGENIC RIGHT VENTRICULAR DYSPLASIA, FAMILIAL, 11; Arrhythmogenic Right Ventricular Dysplasia/Cardiomyopathy11; Arrhythmogenic right ventricular dysplasia 11 with mild palmoplantar keratoderma and woolly hair. Identifiers: MedGen C1864850, MONDO:0012506, OMIM 610476.
Cardiovascular phenotype. Identifiers: MedGen CN230736.

Allele frequency attached by ClinVar (database versions not stated): gnomAD exomes below 0.00001 and 0.00001; TOPMed 0.00001.
gnomAD v4.1: 7 of 1,614,094 alleles (0.00043%); highest among the groups gnomAD compares: South Asian, 0.0077%; no homozygotes.

Submissions (3):

CeGaT Center for Human Genetics Tuebingen
Classification: Pathogenic. Last evaluated: 2026-03-01. Review status: criteria provided, single submitter. Criteria: CeGaT Center For Human Genetics Tuebingen Variant Classification Criteria Version 2. Collection method: clinical testing. Allele origin: germline. Affected: yes. Observed: 1 variant allele.
Comment: DSC2: PVS1, PM2

Ambry Genetics
Classification: Likely pathogenic for Cardiovascular phenotype. Last evaluated: 2025-11-25. Review status: criteria provided, single submitter. Criteria: Ambry Variant Classification Scheme 2023. Collection method: clinical testing. Allele origin: germline.
Comment: The c.2084G>A (p.W695*) alteration, located in exon 13 (coding exon 13) of the DSC2 gene, consists of a G to A substitution at nucleotide position 2084. This changes the amino acid from a tryptophan (W) to a stop codon at amino acid position 695. This alteration is expected to result in loss of function by premature protein truncation or nonsense-mediated mRNA decay. Based on data from gnomAD, this allele has an overall frequency of 0.001% (2/251118) total alleles studied. The highest observed frequency was 0.007% (2/30612) of South Asian alleles. Based on the available evidence, this alteration is classified as likely pathogenic.

Labcorp Genetics (formerly Invitae), Labcorp
Classification: Pathogenic for Arrhythmogenic right ventricular dysplasia 11. Last evaluated: 2021-03-17. Review status: criteria provided, single submitter. Criteria: Invitae Variant Classification Sherloc (09022015). Collection method: clinical testing. Allele origin: germline.
Comment: This sequence change creates a premature translational stop signal (p.Trp695*) in the DSC2 gene. It is expected to result in an absent or disrupted protein product. Loss-of-function variants in DSC2 are known to be pathogenic (PMID: 23911551). This variant is not present in population databases (ExAC no frequency). This variant has not been reported in the literature in individuals with DSC2-related conditions. For these reasons, this variant has been classified as Pathogenic.

Literature cited by the submitters: PubMed 23911551 (cited by Labcorp Genetics (formerly Invitae), Labcorp).